The following is an entry in ClinVar:

NM_000088.4(COL1A1):c.1772_1773del (p.Glu591fs)

Gene: COL1A1 (collagen type I alpha 1 chain; minus strand). Cytogenetic location: 17q21.33.
Variant type: Microsatellite.
Coding change: c.1772_1773del on transcript NM_000088.4 (MANE Select); coding-DNA positions 1772 to 1773, 2 bases deleted (AG; older notation c.1772_1773delAG).
Protein change: p.Glu591fs; shifts the reading frame from glutamic acid 591.
Molecular consequence: frameshift variant.
Genome position (GRCh38, 1-based): chr17:50,193,042-50,193,043, CT deleted on the plus strand (AG on the coding strand, the reverse complement: COL1A1 is on the minus strand); deleting any 2 consecutive bases within chr17:50,193,042-50,193,046 gives the same sequence; the c. name uses the placement nearest the transcript's 3' end. VCF-style (leftmost placement, unchanged base first): chr17-50193041-GCT-G. GRCh37 (hg19) VCF-style: chr17-48270402-GCT-G.
Other names: c.1772_1773delAG (NM_000088.3); short protein forms E591fs.
Identifiers: ClinVar variation 456739 (VCV000456739.7), dbSNP rs1555573484, ClinGen allele CA658656710.
Genomic context (GRCh38, chr17:50,193,041, plus strand): 5'-AGGAGATACTTACGACAGCGCCAGGGGGTCCGGGAACACCTCGCTCTCCAGCCTTGCCGG[GCT>G]CTCCCTGTGGAGAAAGGGAGTTAGGGTTGAGGGGGCTGAAGTGAGAAGCCAGGGCCTCCT-3'

ClinVar aggregate classification (germline): Pathogenic (1 of 4 stars; one submission).

Conditions:
Osteogenesis imperfecta type I (OI1). Also called: OI, TYPE I; OSTEOGENESIS IMPERFECTA TARDA; OSTEOGENESIS IMPERFECTA WITH BLUE SCLERAE; Osteogenesis imperfecta type 1; Lobstein's Disease; Lobstein disease. Identifiers: Orphanet 216796, Orphanet 666, MedGen C0023931, MONDO:0008146, OMIM 166200. Disease mechanism: loss of function.

Submission:

Labcorp Genetics (formerly Invitae), Labcorp
Classification: Pathogenic for Osteogenesis imperfecta type I. Last evaluated: 2020-02-17. Review status: criteria provided, single submitter. Criteria: Invitae Variant Classification Sherloc (09022015). Collection method: clinical testing. Allele origin: germline.
Comment: This sequence change deletes 2 nucleotides from exon 26 of the COL1A1 mRNA (c.1772_1773delAG), causing a frameshift at codon 591. This creates a premature translational stop signal (p.Glu591Alafs*42) and is expected to result in an absent or disrupted protein product. While this particular variant has not been reported in the literature, loss-of-function variants in COL1A1 are known to be pathogenic (PMID: 9443882, 9295084, 7942841). For these reasons, this variant has been classified as Pathogenic.

Literature cited by the submitters: PubMed 9443882; PubMed 9295084; PubMed 7942841.